The following is an entry in ClinVar:

NM_005385.4(NKTR):c.1108C>T (p.Gln370Ter)

Genes: NKTR (natural killer cell triggering receptor; plus strand), ZBTB47-AS1 (ZBTB47 and NKTR antisense RNA 1; minus strand). Cytogenetic location: 3p22.1.
Variant type: single nucleotide variant.
Coding change: c.1108C>T on transcript NM_005385.4 (MANE Select); coding-DNA position 1108, C replaced by T.
Protein change: p.Gln370Ter; replaces glutamine 370 with a stop codon.
Molecular consequence: nonsense.
Genome position (GRCh38, 1-based): chr3:42,635,311, C>T. VCF-style: chr3-42635311-C-T. GRCh37 (hg19) VCF-style: chr3-42676803-C-T.
Other names: c.1108C>T, p.Gln370Ter (NM_001349124.2); c.349C>T, p.Gln117Ter (NM_001349125.2); c.4C>T, p.Gln2Ter (NM_001349126.2); short protein forms Q117*, Q2*, Q370*.
Identifiers: ClinVar variation 4857728 (VCV004857728.1).

ClinVar aggregate classification (germline): Likely pathogenic (1 of 4 stars; one submission).

gnomAD v4.1: 1 of 1,613,294 alleles (0.000062%); highest among the groups gnomAD compares: Non-Finnish European, 0.000085%; no homozygotes.

Submission:

Balikesir University Health Practice and Research Hospital, Diagnosis Center of Genetic Diseases, Balikesir University, Faculty of Medicine, Deparment of Medical Genetics
Classification: Likely pathogenic. Last evaluated: 2026-07-01. Review status: criteria provided, single submitter. Criteria: ACMG Guidelines, 2015. Collection method: clinical testing. Allele origin: germline. Inheritance: Autosomal recessive inheritance. Affected: yes. Observed: 1 variant allele, 1 homozygote.
Comment: NKTR c.1108C>T (p.Gln370Ter) is a nonsense variant predicted to result in loss of function. Available gene-level evidence supports a role for NKTR in craniofacial and neural development, including pathways downstream of SOX9. The predicted molecular consequence, available gene-level evidence, and observed phenotype were considered in the classification assigned by our laboratory.